The following is an entry in ClinVar:

NM_004973.4(JARID2):c.2539G>A (p.Glu847Lys)

Gene: JARID2 (jumonji and AT-rich interaction domain containing 2; plus strand). Cytogenetic location: 6p22.3.
Variant type: single nucleotide variant.
Coding change: c.2539G>A on transcript NM_004973.4 (MANE Select); coding-DNA position 2539, G replaced by A.
Protein change: p.Glu847Lys; replaces glutamic acid 847 with lysine.
Molecular consequence: missense variant.
Genome position (GRCh38, 1-based): chr6:15,504,590, G>A. VCF-style: chr6-15504590-G-A. GRCh37 (hg19) VCF-style: chr6-15504821-G-A.
Other names: c.2023G>A, p.Glu675Lys (NM_001267040.1); short protein forms E675K, E847K.
Identifiers: ClinVar variation 1314404 (VCV001314404.3), dbSNP rs1770903992, ClinGen allele CA362800250.
Genomic context (GRCh38, chr6:15,504,590, plus strand): 5'-CGAACAGCGAGGAATATCATGAGCATGTGTTTCAGCAAGGAGCCTGCCCCAGCCGAAATC[G>A]AGGTGAGAGAAGGGGCCCCTCACGCTGCCTCTCATGGTGTGGGAACCCCTCGGCGAGCTG-3'
Protein context (NP_004964.2, residues 837-857): FSKEPAPAEI[Glu847Lys]QEYWRLVEEK

ClinVar aggregate classification (germline): Uncertain significance (1 of 4 stars; one submission).

Allele frequency attached by ClinVar (database versions not stated): gnomAD 0.00001.
gnomAD v4.1: 1 of 1,611,596 alleles (0.000062%); highest among the groups gnomAD compares: Admixed American, 0.0017%; no homozygotes.

Submission:

GeneDx
Classification: Uncertain significance. Last evaluated: 2025-08-21. Review status: criteria provided, single submitter. Criteria: GeneDx Variant Classification Process June 2021. Collection method: clinical testing. Allele origin: germline. Affected: yes.
Comment: Not observed at significant frequency in large population cohorts (gnomAD); In silico analysis supports that this missense variant has a deleterious effect on protein structure/function; Has not been previously published as pathogenic or benign to our knowledge